The following is an entry in ClinVar:

NM_001350451.2(RBFOX3):c.946G>A (p.Ala316Thr)

Gene: RBFOX3 (RNA binding fox-1 homolog 3; minus strand). Cytogenetic location: 17q25.3.
Variant type: single nucleotide variant.
Coding change: c.946G>A on transcript NM_001350451.2 (MANE Select); coding-DNA position 946, G replaced by A.
Protein change: p.Ala316Thr; replaces alanine 316 with threonine.
Molecular consequence: missense variant.
Genome position (GRCh38, 1-based): chr17:79,095,565, C>T on the plus strand (G>A on the coding strand, the complement: RBFOX3 is on the minus strand). VCF-style: chr17-79095565-C-T. GRCh37 (hg19) VCF-style: chr17-77091647-C-T.
Other names: c.805G>A, p.Ala269Thr (NM_001082575.3, NM_001350453.2, NM_001385825.1 and 16 more transcripts); c.946G>A, p.Ala316Thr (NM_001385804.1, NM_001385805.1, NM_001385807.1 and 14 more transcripts); c.943G>A, p.Ala315Thr (NM_001385806.1, NM_001385822.1, NM_001385823.1); c.853G>A, p.Ala285Thr (NM_001385824.1); c.826G>A, p.Ala276Thr (NM_001385827.1); c.802G>A, p.Ala268Thr (NM_001385843.1, NM_001385844.1, NM_001385845.1 and 1 more transcripts); c.658G>A, p.Ala220Thr (NM_001385847.1); short protein forms A220T, A276T, A316T, A268T, A269T, A285T, A315T.
Identifiers: ClinVar variation 3152119 (VCV003152119.2), dbSNP rs1440844625, ClinGen allele CA401315912.

ClinVar aggregate classification (germline): Uncertain significance. Review status: criteria provided, multiple submitters, no conflicts (2 of 4 stars). 2 submissions from 2 submitters: Uncertain significance (2). Last evaluated 2025-10-11.

Conditions:
Idiopathic generalized epilepsy. Also called: EIG; Generalised epilepsy. Identifiers: MedGen C0270850, MONDO:0005579, OMIM 600669.

Allele frequency attached by ClinVar (database versions not stated): gnomAD 0.00002; TOPMed 0.00002.
gnomAD v4.1: 12 of 1,551,042 alleles (0.00077%); highest among the groups gnomAD compares: Middle Eastern, 0.017%; no homozygotes.

Submissions (2):

Labcorp Genetics (formerly Invitae), Labcorp
Classification: Uncertain significance for Idiopathic generalized epilepsy. Last evaluated: 2025-10-11. Review status: criteria provided, single submitter. Criteria: Invitae Variant Classification Sherloc (09022015). Collection method: clinical testing. Allele origin: germline.
Comment: This sequence change replaces alanine, which is neutral and non-polar, with threonine, which is neutral and polar, at codon 269 of the RBFOX3 protein (p.Ala269Thr). This variant is present in population databases (no rsID available, gnomAD 0.004%). This variant has not been reported in the literature in individuals affected with RBFOX3-related conditions. ClinVar contains an entry for this variant (Variation ID: 3152119). Invitae Evidence Modeling of protein sequence and biophysical properties (such as structural, functional, and spatial information, amino acid conservation, physicochemical variation, residue mobility, and thermodynamic stability) indicates that this missense variant is not expected to disrupt RBFOX3 protein function with a negative predictive value of 80%. In summary, the available evidence is currently insufficient to determine the role of this variant in disease. Therefore, it has been classified as a Variant of Uncertain Significance.

Ambry Genetics
Classification: Uncertain significance. Last evaluated: 2024-02-13. Review status: criteria provided, single submitter. Criteria: Ambry Variant Classification Scheme 2023. Collection method: clinical testing. Allele origin: germline.